The following is an entry in ClinVar:

ClinVar aggregate classification (germline): Uncertain significance (1 of 4 stars; one submission).

Conditions:
Perlman syndrome (PRLMNS). Identifiers: Orphanet 2849, MedGen C0796113, MONDO:0009965, OMIM 267000.

gnomAD v4.1: 1 of 1,614,008 alleles (0.000062%); highest among the groups gnomAD compares: African/African-American, 0.0013%; no homozygotes.

Submission:

Labcorp Genetics (formerly Invitae), Labcorp
Classification: Uncertain significance for Perlman syndrome. Last evaluated: 2022-07-14. Review status: criteria provided, single submitter. Criteria: Invitae Variant Classification Sherloc (09022015). Collection method: clinical testing. Allele origin: germline.
Comment: This sequence change replaces histidine, which is basic and polar, with glutamine, which is neutral and polar, at codon 243 of the DIS3L2 protein (p.His243Gln). This variant is present in population databases (no rsID available, gnomAD 0.007%). This variant has not been reported in the literature in individuals affected with DIS3L2-related conditions. Algorithms developed to predict the effect of missense changes on protein structure and function are either unavailable or do not agree on the potential impact of this missense change (SIFT: "Tolerated"; PolyPhen-2: "Probably Damaging"; Align-GVGD: "Class C0"). In summary, the available evidence is currently insufficient to determine the role of this variant in disease. Therefore, it has been classified as a Variant of Uncertain Significance.

NM_152383.5(DIS3L2):c.729T>A (p.His243Gln)

Gene: DIS3L2 (DIS3 like 3'-5' exoribonuclease 2; plus strand). Cytogenetic location: 2q37.1.
Variant type: single nucleotide variant.
Coding change: c.729T>A on transcript NM_152383.5 (MANE Select); coding-DNA position 729, T replaced by A.
Protein change: p.His243Gln; replaces histidine 243 with glutamine.
Molecular consequence: missense variant. On other transcripts: non-coding transcript variant (1).
Genome position (GRCh38, 1-based): chr2:232,136,498, T>A. VCF-style: chr2-232136498-T-A. GRCh37 (hg19) VCF-style: chr2-233001208-T-A.
Other names: c.729T>A, p.His243Gln (NM_001257281.2); short protein forms H243Q.
Identifiers: ClinVar variation 2126144 (VCV002126144.4), dbSNP rs371095624, ClinGen allele CA351153469.
Genomic context (GRCh38, chr2:232,136,498, plus strand): 5'-TAAACAACATTGACTATATCTTTGGTGTTTTTAGGTGGTTTACATCTTGGAGAAAAAACA[T>A]TCTCGAGCAGCAACCGGCTTCCTCAAACTCTTGGCTGATAAGAACAGCGAACTGTTTAGG-3'
Protein context (NP_689596.4, residues 233-253): AKVVYILEKK[His243Gln]SRAATGFLKL